The following is an entry in ClinVar:

NM_002739.5(PRKCG):c.940-180C>T

Gene: PRKCG (protein kinase C gamma; plus strand). Cytogenetic location: 19q13.42.
Variant type: single nucleotide variant.
Coding change: c.940-180C>T on transcript NM_002739.5 (MANE Select); 180 bases into the intron before coding-DNA position 940, C replaced by T.
Molecular consequence: intron variant.
Genome position (GRCh38, 1-based): chr19:53,897,779, C>T. VCF-style: chr19-53897779-C-T. GRCh37 (hg19) VCF-style: chr19-54401033-C-T.
Other names: c.940-180C>T (NM_001316329.2).
Identifiers: ClinVar variation 1691618 (VCV001691618.3), dbSNP rs113390038, ClinGen allele CA310090645.

ClinVar aggregate classification (germline): Likely benign (1 of 4 stars; one submission).

Allele frequency attached by ClinVar (database versions not stated): 1000 Genomes Project 30x 0.00437; 1000 Genomes Project 0.00479; gnomAD 0.00561 and 0.00604; TOPMed 0.00637.
gnomAD v4.1: 842 of 151,804 alleles (0.55%); highest among the groups gnomAD compares: African/African-American, 1.9%; 11 homozygotes.

Submission:

GeneDx
Classification: Likely benign. Last evaluated: 2021-12-07. Review status: criteria provided, single submitter. Criteria: GeneDx Variant Classification Process June 2021. Collection method: clinical testing. Allele origin: germline. Affected: yes.
Comment: See Variant Classification Assertion Criteria.